The following is an entry in ClinVar:

NM_025114.4(CEP290):c.3462-286A>G

Gene: CEP290 (centrosomal protein 290; minus strand). Cytogenetic location: 12q21.32.
Variant type: single nucleotide variant.
Coding change: c.3462-286A>G on transcript NM_025114.4 (MANE Select); 286 bases into the intron before coding-DNA position 3462, A replaced by G.
Molecular consequence: intron variant.
Genome position (GRCh38, 1-based): chr12:88,091,125, T>C on the plus strand (A>G on the coding strand, the complement: CEP290 is on the minus strand). VCF-style: chr12-88091125-T-C. GRCh37 (hg19) VCF-style: chr12-88484902-T-C.
Identifiers: ClinVar variation 673834 (VCV000673834.1), dbSNP rs77707234, ClinGen allele CA241166363.

ClinVar aggregate classification (germline): Benign (1 of 4 stars; one submission).

Allele frequency attached by ClinVar (database versions not stated): gnomAD 0.01841 and 0.01976; 1000 Genomes Project 30x 0.01952; TOPMed 0.02016; 1000 Genomes Project 0.02117.
gnomAD v4.1: 2,773 of 152,264 alleles (1.8%); highest among the groups gnomAD compares: African/African-American, 6.4%; 87 homozygotes.

Submission:

GeneDx
Classification: Benign. Last evaluated: 2018-06-16. Review status: criteria provided, single submitter. Criteria: GeneDx Variant Classification (06012015). Collection method: clinical testing. Allele origin: germline. Affected: yes.
Comment: This variant is considered likely benign or benign based on one or more of the following criteria: it is a conservative change, it occurs at a poorly conserved position in the protein, it is predicted to be benign by multiple in silico algorithms, and/or has population frequency not consistent with disease.